The following is an entry in ClinVar:

NM_032930.3(CFAP300):c.313C>T (p.Gln105Ter)

Gene: CFAP300 (cilia and flagella associated protein 300; plus strand). Cytogenetic location: 11q22.1.
Variant type: single nucleotide variant.
Coding change: c.313C>T on transcript NM_032930.3 (MANE Select); coding-DNA position 313, C replaced by T.
Protein change: p.Gln105Ter; replaces glutamine 105 with a stop codon.
Molecular consequence: nonsense. On other transcripts: intron variant (1).
Genome position (GRCh38, 1-based): chr11:102,066,529, C>T. VCF-style: chr11-102066529-C-T. GRCh37 (hg19) VCF-style: chr11-101937260-C-T.
Other names: c.313C>T, p.Gln105Ter (NM_001363505.2); c.268+7574C>T (NM_001195005.2); short protein forms Q105*.
Identifiers: ClinVar variation 2885787 (VCV002885787.3), dbSNP rs2496335021, ClinGen allele CA382489177.

ClinVar aggregate classification (germline): Pathogenic (1 of 4 stars; one submission).

Allele frequency attached by ClinVar (database versions not stated): gnomAD exomes 0.00002.
gnomAD v4.1: 22 of 1,611,052 alleles (0.0014%); highest among the groups gnomAD compares: Non-Finnish European, 0.0018%; no homozygotes.

Submission:

Labcorp Genetics (formerly Invitae), Labcorp
Classification: Pathogenic. Last evaluated: 2025-06-09. Review status: criteria provided, single submitter. Criteria: Invitae Variant Classification Sherloc (09022015). Collection method: clinical testing. Allele origin: germline.
Comment: This sequence change creates a premature translational stop signal (p.Gln105*) in the C11orf70 gene. It is expected to result in an absent or disrupted protein product. Loss-of-function variants in C11orf70 are known to be pathogenic (PMID: 29727692, 29727693). This variant is not present in population databases (gnomAD no frequency). This variant has not been reported in the literature in individuals affected with C11orf70-related conditions. ClinVar contains an entry for this variant (Variation ID: 2885787). For these reasons, this variant has been classified as Pathogenic.

Literature cited by the submitters: PubMed 29727692; PubMed 29727693.